The following is an entry in ClinVar:

NM_001040108.2(MLH3):c.113C>A (p.Ala38Glu)

Gene: MLH3 (mutL homolog 3; minus strand). Cytogenetic location: 14q24.3.
Variant type: single nucleotide variant.
Coding change: c.113C>A on transcript NM_001040108.2 (MANE Select); coding-DNA position 113, C replaced by A.
Protein change: p.Ala38Glu; replaces alanine 38 with glutamic acid.
Molecular consequence: missense variant.
Genome position (GRCh38, 1-based): chr14:75,049,543, G>T on the plus strand (C>A on the coding strand, the complement: MLH3 is on the minus strand). VCF-style: chr14-75049543-G-T. GRCh37 (hg19) VCF-style: chr14-75516246-G-T.
Other names: c.113C>A, p.Ala38Glu (NM_014381.3); short protein forms A38E.
Identifiers: ClinVar variation 2625639 (VCV002625639.2), dbSNP rs2503337048, ClinGen allele CA390451554.

ClinVar aggregate classification (germline): Uncertain significance (1 of 4 stars; one submission).

gnomAD v4.1: 2 of 1,614,138 alleles (0.00012%); no homozygotes.

Submission:

Ambry Genetics
Classification: Uncertain significance. Last evaluated: 2023-06-25. Review status: criteria provided, single submitter. Criteria: Ambry Variant Classification Scheme 2023. Collection method: clinical testing. Allele origin: germline.
Comment: The p.A38E variant (also known as c.113C>A), located in coding exon 1 of the MLH3 gene, results from a C to A substitution at nucleotide position 113. The alanine at codon 38 is replaced by glutamic acid, an amino acid with dissimilar properties. This amino acid position is conserved. In addition, this alteration is predicted to be deleterious by in silico analysis. Since supporting evidence is limited at this time, the clinical significance of this alteration remains unclear.